The following is an entry in ClinVar:

NM_000350.3(ABCA4):c.2875A>G (p.Thr959Ala)

Gene: ABCA4 (ATP binding cassette subfamily A member 4; minus strand). Cytogenetic location: 1p22.1.
Variant type: single nucleotide variant.
Coding change: c.2875A>G on transcript NM_000350.3 (MANE Select); coding-DNA position 2875, A replaced by G.
Protein change: p.Thr959Ala; replaces threonine 959 with alanine.
Molecular consequence: missense variant.
Genome position (GRCh38, 1-based): chr1:94,046,962, T>C on the plus strand (A>G on the coding strand, the complement: ABCA4 is on the minus strand). VCF-style: chr1-94046962-T-C. GRCh37 (hg19) VCF-style: chr1-94512518-T-C.
Other names: c.2653A>G, p.Thr885Ala (NM_001425324.1); short protein forms T959A, T885A.
Identifiers: ClinVar variation 236095 (VCV000236095.18), dbSNP rs368846708, ClinGen allele CA958130.

ClinVar aggregate classification (germline): Pathogenic/Likely pathogenic. Review status: criteria provided, multiple submitters, no conflicts (2 of 4 stars). 9 submissions from 7 submitters: Pathogenic (3); Likely pathogenic (5). 1 of the submissions does not count toward it. Last evaluated 2025-11-02.

Conditions:
ABCA4-related disorder. Also called: ABCA4-related condition; ABCA4-related disorders. Identifiers: MedGen CN239167.
Optic atrophy. Identifiers: MedGen C0029124, MONDO:0003608, HP:0000648.
Retinal dystrophy. Also called: Inherited retinal dystrophy. Identifiers: Orphanet 71862, MedGen C0854723, MeSH D058499, MONDO:0019118, HP:0000556.
Cone-rod dystrophy 3 (CORD3). Identifiers: Orphanet 1872, MedGen C1858806, MONDO:0011395, OMIM 604116.
Age related macular degeneration 2. Also called: MACULOPATHY, AGE-RELATED; MACULAR DEGENERATION, SENILE; MACULOPATHY, AGE-RELATED, 2. Identifiers: MedGen C3495438, MONDO:0007932, OMIM 153800.
Severe early-childhood-onset retinal dystrophy (STGD1). Also called: Stargardt macular dystrophy; Juvenile onset macular degeneration; Stargardt disease 1; STGD; MACULAR DYSTROPHY WITH FLECKS, TYPE 1. Identifiers: Orphanet 364055, Orphanet 827, MedGen C1855465, MeSH D000080362, MONDO:0009549, OMIM 248200.
Retinitis pigmentosa 19 (RP19). Also called: ABCA4-Related Retinitis Pigmentosa. Identifiers: Orphanet 791, MedGen C1866422, MONDO:0011137, OMIM 601718.
Stargardt disease (FFM). Also called: Stargardt's disease; Fundus flavimaculatus. Identifiers: Orphanet 827, MedGen C0271093, MONDO:0019353.

Allele frequency attached by ClinVar (database versions not stated): TOPMed 0.00002.
gnomAD v4.1: 16 of 1,613,992 alleles (0.00099%); highest among the groups gnomAD compares: Non-Finnish European, 0.0014%; no homozygotes.

Submissions (9):

PreventionGenetics, part of Exact Sciences
Classification: Likely pathogenic for ABCA4-related condition. Last evaluated: 2025-11-02. Review status: criteria provided, single submitter. Criteria: ACMG Guidelines, 2015. Collection method: clinical testing. Allele origin: germline.
Comment: The ABCA4 c.2875A>G variant is predicted to result in the amino acid substitution p.Thr959Ala. This variant has been reported with a second or sometimes third ABCA4 variant in individuals with retinal disease; and evidence suggests that this variant may sometimes be on the same allele (in cis) with p.Tyr850Cys (Oldani et al. 2012. PubMed ID: 23096905; Falsini et al. 2022. PubMed ID: 35260635; Piccardi et al. 2019. PubMed ID: 31618812; Table S1, Sciezynska et al. 2016. PubMed ID: 26593885). This variant is present in 0.0070% of alleles in individuals of European (Non-Finnish) descent in gnomAD, and a study of the frequency of this variant in affected individuals versus the general population has classified this variant as being "severe" (Table S2A, Cornelis et al. 2022. PubMed ID: 35120629). Given the evidence, we interpret this variant as likely pathogenic.

Labcorp Genetics (formerly Invitae), Labcorp
Classification: Pathogenic. Last evaluated: 2025-08-04. Review status: criteria provided, single submitter. Criteria: Invitae Variant Classification Sherloc (09022015). Collection method: clinical testing. Allele origin: germline.
Comment: This sequence change replaces threonine, which is neutral and polar, with alanine, which is neutral and non-polar, at codon 959 of the ABCA4 protein (p.Thr959Ala). This variant is present in population databases (rs368846708, gnomAD 0.007%). This missense change has been observed in individual(s) with Stargardt disease (PMID: 23096905; internal data). ClinVar contains an entry for this variant (Variation ID: 236095). Invitae Evidence Modeling of protein sequence and biophysical properties (such as structural, functional, and spatial information, amino acid conservation, physicochemical variation, residue mobility, and thermodynamic stability) has been performed for this missense variant. However, the output from this modeling did not meet the statistical confidence thresholds required to predict the impact of this variant on ABCA4 protein function. This variant disrupts the p.Thr959 amino acid residue in ABCA4. Other variant(s) that disrupt this residue have been determined to be pathogenic (PMID: 10958763, 24097981; internal data). This suggests that this residue is clinically significant, and that variants that disrupt this residue are likely to be disease-causing. For these reasons, this variant has been classified as Pathogenic.

Women's Health and Genetics/Laboratory Corporation of America, LabCorp
Classification: Pathogenic for Stargardt disease. Last evaluated: 2025-05-29. Review status: criteria provided, single submitter. Criteria: LabCorp Variant Classification Summary - May 2015. Collection method: clinical testing. Allele origin: germline.
Comment: Variant summary: ABCA4 c.2875A>G (p.Thr959Ala) results in a non-conservative amino acid change located in the ABC transporter-like, ATP-binding domain (IPR003439) of the encoded protein sequence. Algorithms developed to predict the effect of missense changes on protein structure and function all suggest that this variant is likely to be disruptive. The variant allele was found at a frequency of 1.6e-05 in 251358 control chromosomes. c.2875A>G has been observed in individual(s) affected with Stargardt Disease (Sciezynska_2016, PIccardi_2019, Holtan_2021, internal_testing). These data indicate that the variant is likely to be associated with disease. A different variant affecting the same codon has been classified as likely pathogenic/pathogenic by our lab (c.2875A>T, p.Thr959Ser), supporting the critical relevance of codon 959 to ABCA4 protein function. To our knowledge, no experimental evidence demonstrating an impact on protein function has been reported. The following publications have been ascertained in the context of this evaluation (PMID: 33258285, 31618812, 26593885). ClinVar contains an entry for this variant (Variation ID: 236095). Based on the evidence outlined above, the variant was classified as pathogenic.

Blueprint Genetics
Classification: Pathogenic for ABCA4-related disorders. Last evaluated: 2024-11-13. Review status: criteria provided, single submitter. Criteria: ACMG Guidelines, 2015. Collection method: clinical testing. Allele origin: germline. Affected: yes. Observed: 5 variant alleles.

Fulgent Genetics
Classification: Likely pathogenic for Age related macular degeneration 2; Severe early-childhood-onset retinal dystrophy; Retinitis pigmentosa 19; Cone-rod dystrophy 3. Last evaluated: 2024-05-21. Review status: criteria provided, single submitter. Criteria: ACMG Guidelines, 2015. Collection method: clinical testing. Allele origin: germline.

Institute of Human Genetics, Univ. Regensburg, Univ. Regensburg
Classification: Likely pathogenic for Optic atrophy. Last evaluated: 2022-01-01. Review status: criteria provided, single submitter. Criteria: ACMG Guidelines, 2015. Collection method: clinical testing. Allele origin: germline. Affected: yes.

Institute of Human Genetics, Univ. Regensburg, Univ. Regensburg
Classification: Likely pathogenic for Retinal dystrophy. Last evaluated: 2022-01-01. Review status: criteria provided, single submitter. Criteria: ACMG Guidelines, 2015. Collection method: clinical testing. Allele origin: germline. Affected: yes.

Institute of Human Genetics, Univ. Regensburg, Univ. Regensburg
Classification: Likely pathogenic for Severe early-childhood-onset retinal dystrophy. Last evaluated: 2016-01-01. Review status: criteria provided, single submitter. Criteria: Schulz et al. (Invest Ophthalmol Vis Sci. 2017). Collection method: clinical testing. Allele origin: germline. Affected: yes. Observed: 2 heterozygotes.

GeneDx
Classification: Uncertain significance. Last evaluated: 2020-09-16. Review status: flagged submission. Criteria: GeneDx Variant Classification Process June 2021. Collection method: clinical testing. Allele origin: germline. Affected: yes. Not counted in ClinVar's aggregate classification.
Comment: In silico analysis supports that this missense variant has a deleterious effect on protein structure/function; This variant is associated with the following publications: (PMID: 23096905, 26593885, 28118664, 27813578, 29178665, 31618812)
ClinVar note: Reason: Outlier claim with insufficient supporting evidence

Literature cited by the submitters: PubMed 23096905 (cited by Labcorp Genetics (formerly Invitae), Labcorp and Institute of Human Genetics, Univ. Regensburg, Univ. Regensburg); PubMed 10958763 (cited by Labcorp Genetics (formerly Invitae), Labcorp); PubMed 24097981 (cited by Labcorp Genetics (formerly Invitae), Labcorp); PubMed 26593885 (cited by Women's Health and Genetics/Laboratory Corporation of America, LabCorp); PubMed 33258285 (cited by Women's Health and Genetics/Laboratory Corporation of America, LabCorp); PubMed 31618812 (cited by Women's Health and Genetics/Laboratory Corporation of America, LabCorp); PubMed 31964843 (cited by Institute of Human Genetics, Univ. Regensburg, Univ. Regensburg); PubMed 35260635 (cited by Institute of Human Genetics, Univ. Regensburg, Univ. Regensburg).